The following is an entry in ClinVar:

ClinVar aggregate classification (germline): Uncertain significance (1 of 4 stars; one submission).

Submission:

Labcorp Genetics (formerly Invitae), Labcorp
Classification: Uncertain significance. Last evaluated: 2024-02-12. Review status: criteria provided, single submitter. Criteria: Invitae Variant Classification Sherloc (09022015). Collection method: clinical testing. Allele origin: germline.
Comment: This sequence change replaces glycine, which is neutral and non-polar, with valine, which is neutral and non-polar, at codon 260 of the TCF3 protein (p.Gly260Val). This variant is not present in population databases (gnomAD no frequency). This variant has not been reported in the literature in individuals affected with TCF3-related conditions. ClinVar contains an entry for this variant (Variation ID: 1501304). An algorithm developed to predict the effect of missense changes on protein structure and function (PolyPhen-2) suggests that this variant is likely to be tolerated. In summary, the available evidence is currently insufficient to determine the role of this variant in disease. Therefore, it has been classified as a Variant of Uncertain Significance.

NM_003200.5(TCF3):c.779G>T (p.Gly260Val)

Gene: TCF3 (transcription factor 3; minus strand). Cytogenetic location: 19p13.3.
Variant type: single nucleotide variant.
Coding change: c.779G>T on transcript NM_003200.5 (MANE Select); coding-DNA position 779, G replaced by T.
Protein change: p.Gly260Val; replaces glycine 260 with valine.
Molecular consequence: missense variant.
Genome position (GRCh38, 1-based): chr19:1,622,097, C>A on the plus strand (G>T on the coding strand, the complement: TCF3 is on the minus strand). VCF-style: chr19-1622097-C-A. GRCh37 (hg19) VCF-style: chr19-1622096-C-A.
Other names: c.779G>T, p.Gly260Val (NM_001136139.4, NM_001351778.2, NM_001351779.2); short protein forms G260V.
Identifiers: ClinVar variation 1501304 (VCV001501304.8), dbSNP rs2062309897, ClinGen allele CA403055525.